The following is an entry in ClinVar:

ClinVar aggregate classification (germline): Benign (1 of 4 stars; one submission).

Allele frequency attached by ClinVar (database versions not stated): 1000 Genomes Project 0.08287; 1000 Genomes Project 30x 0.08417; TOPMed 0.15350; ESP Exome Variant Server 0.15771; gnomAD 0.16307; ExAC 0.16931; gnomAD exomes 0.21212.
gnomAD v4.1: 331,339 of 1,601,360 alleles (21%); highest among the groups gnomAD compares: Non-Finnish European, 24%; 38,630 homozygotes.

Submissions (15):

Unidad de Genómica Garrahan, Hospital de Pediatría Garrahan
Classification: Benign. Last evaluated: 2024-01-24. Review status: criteria provided, single submitter. Criteria: ACMG Guidelines, 2015. Collection method: clinical testing. Allele origin: germline. Affected: no. Observed: 24 variant alleles.
Comment: This variant is classified as Benign based on local population frequency. This variant was detected in 25% of patients studied by a panel of primary immunodeficiencies. Number of patients: 24. Only high quality variants are reported.

Dr. Peter K. Rogan Lab, Western University
No classification provided (evidence only). Condition: Acute myeloid leukemia. Review status: no classification provided. Collection method: in vitro. Allele origin: not applicable. Functional consequence: retained intron. Not counted in ClinVar's aggregate classification.

Dr. Peter K. Rogan Lab, Western University
No classification provided (evidence only). Condition: Acute myeloid leukemia. Review status: no classification provided. Collection method: in vitro. Allele origin: not applicable. Functional consequence: retained intron. Not counted in ClinVar's aggregate classification.

Dr. Peter K. Rogan Lab, Western University
No classification provided (evidence only). Condition: Malignant lymphoma, large B-cell, diffuse. Review status: no classification provided. Collection method: in vitro. Allele origin: not applicable. Functional consequence: skipped exon, retained intron. Not counted in ClinVar's aggregate classification.

Dr. Peter K. Rogan Lab, Western University
No classification provided (evidence only). Condition: Malignant lymphoma, large B-cell, diffuse. Review status: no classification provided. Collection method: in vitro. Allele origin: not applicable. Functional consequence: skipped exon, retained intron. Not counted in ClinVar's aggregate classification.

Dr. Peter K. Rogan Lab, Western University
No classification provided (evidence only). Condition: Malignant lymphoma, large B-cell, diffuse. Review status: no classification provided. Collection method: in vitro. Allele origin: not applicable. Functional consequence: retained intron. Not counted in ClinVar's aggregate classification.

Dr. Peter K. Rogan Lab, Western University
No classification provided (evidence only). Condition: Cholangiocarcinoma. Review status: no classification provided. Collection method: in vitro. Allele origin: not applicable. Functional consequence: retained intron. Not counted in ClinVar's aggregate classification.

Dr. Peter K. Rogan Lab, Western University
No classification provided (evidence only). Condition: Ovarian serous cystadenocarcinoma. Review status: no classification provided. Collection method: in vitro. Allele origin: not applicable. Functional consequence: retained intron. Not counted in ClinVar's aggregate classification.

Dr. Peter K. Rogan Lab, Western University
No classification provided (evidence only). Condition: Ovarian serous cystadenocarcinoma. Review status: no classification provided. Collection method: in vitro. Allele origin: not applicable. Functional consequence: retained intron. Not counted in ClinVar's aggregate classification.

Dr. Peter K. Rogan Lab, Western University
No classification provided (evidence only). Condition: Uterine carcinosarcoma. Review status: no classification provided. Collection method: in vitro. Allele origin: not applicable. Functional consequence: skipped exon. Not counted in ClinVar's aggregate classification.

Dr. Peter K. Rogan Lab, Western University
No classification provided (evidence only). Condition: Uterine carcinosarcoma. Review status: no classification provided. Collection method: in vitro. Allele origin: not applicable. Functional consequence: skipped exon, retained intron. Not counted in ClinVar's aggregate classification.

Dr. Peter K. Rogan Lab, Western University
No classification provided (evidence only). Condition: Uterine carcinosarcoma. Review status: no classification provided. Collection method: in vitro. Allele origin: not applicable. Functional consequence: skipped exon. Not counted in ClinVar's aggregate classification.

Dr. Peter K. Rogan Lab, Western University
No classification provided (evidence only). Condition: Uterine carcinosarcoma. Review status: no classification provided. Collection method: in vitro. Allele origin: not applicable. Functional consequence: retained intron. Not counted in ClinVar's aggregate classification.

Dr. Peter K. Rogan Lab, Western University
No classification provided (evidence only). Condition: Uveal melanoma. Review status: no classification provided. Collection method: in vitro. Allele origin: not applicable. Functional consequence: retained intron. Not counted in ClinVar's aggregate classification.

Dr. Peter K. Rogan Lab, Western University
No classification provided (evidence only). Condition: Uveal melanoma. Review status: no classification provided. Collection method: in vitro. Allele origin: not applicable. Functional consequence: retained intron. Not counted in ClinVar's aggregate classification.

NM_001170535.3(ATAD3A):c.751-51A>G

Gene: ATAD3A (ATPase family AAA domain containing 3A; plus strand). Cytogenetic location: 1p36.33.
Variant type: single nucleotide variant.
Coding change: c.751-51A>G on transcript NM_001170535.3 (MANE Select); 51 bases into the intron before coding-DNA position 751, A replaced by G.
Molecular consequence: intron variant.
Genome position (GRCh38, 1-based): chr1:1,522,693, A>G. VCF-style: chr1-1522693-A-G. GRCh37 (hg19) VCF-style: chr1-1458073-A-G.
Other names: NC_000001.10:g.1458073A>G; c.895-51A>G (NM_018188.5); c.514-51A>G (NM_001170536.3).
Identifiers: ClinVar variation 2688296 (VCV002688296.3), dbSNP rs3118507, ClinGen allele CA525957.